The following is an entry in ClinVar:

ClinVar aggregate classification (germline): Pathogenic/Likely pathogenic. Review status: criteria provided, multiple submitters, no conflicts (2 of 4 stars). 7 submissions from 7 submitters: Pathogenic (3); Likely pathogenic (4). Last evaluated 2026-07-27.

Conditions:
FLG-related disorder. Also called: FLG-related condition; FLG-related disorders.
Ichthyosis vulgaris. Also called: ICHTHYOSIS SIMPLEX; Dominant ichthyosis vulgaris. Identifiers: MedGen C0079584, MONDO:0024304, OMIM 146700.
Dermatitis, atopic, 2. Identifiers: MedGen C1853965, MONDO:0011596, OMIM 605803.

Allele frequency attached by ClinVar (database versions not stated): ESP Exome Variant Server 0.00015; TOPMed 0.00020.
gnomAD v4.1: 570 of 1,613,370 alleles (0.035%); highest among the groups gnomAD compares: Non-Finnish European, 0.045%; no homozygotes.

Submissions (7):

Lupski Lab, Baylor-Hopkins CMG, Baylor College of Medicine
Classification: Likely pathogenic for Dermatitis, atopic, 2. Last evaluated: 2026-07-27. Review status: criteria provided, single submitter. Criteria: ACMG Guidelines, 2015. Collection method: research. Allele origin: germline. Inheritance: Autosomal dominant inheritance. Affected: yes. Observed: 1 variant allele, 1 heterozygote.
Comment: This is a stopgain in FLG, a gene where loss of function variants are a known mechanism of disease (PVS1_Very Strong= +8pts). 8 pts (PVS1 +8).

3billion
Classification: Pathogenic for Dermatitis, atopic, 2. Last evaluated: 2025-12-18. Review status: criteria provided, single submitter. Criteria: ACMG Guidelines, 2015. Collection method: clinical testing. Allele origin: germline. Affected: yes.
Comment: The variant is observed at an allele frequency greater than expected for the associated disorder in the gnomAD v4.1.0 dataset. Predicted Consequence/Location: Stop-gained (nonsense): predicted to result in a loss or disruption of normal protein function through protein truncation. The predicted truncated protein may be shortened by more than 10%. The variant has been reported at least twice as pathogenic with clinical assertions and evidence for the classification (ClinVar ID: VCV000488829 /PMID: 17417636). Therefore, this variant is classified as Pathogenic according to the recommendation of ACMG/AMP guideline.

GeneDx
Classification: Pathogenic. Last evaluated: 2025-03-10. Review status: criteria provided, single submitter. Criteria: GeneDx Variant Classification Process June 2021. Collection method: clinical testing. Allele origin: germline. Affected: yes.
Comment: Identified in patients with atopic dermatitis in the published literature (PMID: 17417636, 21039602); Nonsense variant predicted to result in protein truncation, as the last 2588 amino acid(s) are lost, and other loss-of-function variants have been reported downstream in HGMD; This variant is associated with the following publications: (PMID: 21039602, 31589614, 31365035, 17417636, 38564302, 37200867, 37275794, 16444271)

Blueprint Genetics
Classification: Likely pathogenic for FLG-related disorders. Last evaluated: 2024-06-14. Review status: criteria provided, single submitter. Criteria: ACMG Guidelines, 2015. Collection method: clinical testing. Allele origin: germline. Affected: yes. Observed: 5 variant alleles.

Genome-Nilou Lab
Classification: Pathogenic for Ichthyosis vulgaris. Last evaluated: 2023-04-11. Review status: criteria provided, single submitter. Criteria: ACMG Guidelines, 2015. Collection method: clinical testing. Allele origin: germline. Affected: no.

CeGaT Center for Human Genetics Tuebingen
Classification: Likely pathogenic. Last evaluated: 2022-10-01. Review status: criteria provided, single submitter. Criteria: CeGaT Center For Human Genetics Tuebingen Variant Classification Criteria Version 2. Collection method: clinical testing. Allele origin: germline. Affected: yes. Observed: 3 variant alleles.
Comment: FLG: PVS1

Juno Genomics, Hangzhou Juno Genomics, Inc
Classification: Likely pathogenic for Dermatitis, atopic, 2; Ichthyosis vulgaris. Review status: criteria provided, single submitter. Criteria: ACMG Guidelines, 2015. Collection method: clinical testing. Allele origin: germline.
Comment: Absent from controls (or at extremely low frequency if recessive) in Genome Aggregation Database.;Null variant in a gene where loss of function (LOF) is a known mechanism of disease.;The prevalence of the variant in affected individuals is significantly increased compared to the prevalence in controls.;Patient's phenotype or family history is highly specific for a disease with a single genetic etiology.

Literature cited by the submitters: PubMed 17417636 (cited by 3billion).

NM_002016.2(FLG):c.4420C>T (p.Arg1474Ter)

Genes: CCDST (cervical cancer associated DHX9 suppressive transcript; plus strand), FLG (filaggrin; minus strand). Cytogenetic location: 1q21.3.
Variant type: single nucleotide variant.
Coding change: c.4420C>T on transcript NM_002016.2 (MANE Select); coding-DNA position 4420, C replaced by T.
Protein change: p.Arg1474Ter; replaces arginine 1474 with a stop codon.
Molecular consequence: nonsense.
Genome position (GRCh38, 1-based): chr1:152,310,466, G>A on the plus strand (C>T on the coding strand, the complement: FLG is on the minus strand). VCF-style: chr1-152310466-G-A. GRCh37 (hg19) VCF-style: chr1-152282942-G-A.
Other names: short protein forms R1474*.
Identifiers: ClinVar variation 488829 (VCV000488829.52), dbSNP rs146686141, ClinGen allele CA1106232.